The following is an entry in ClinVar:

NM_001371928.1(AHDC1):c.2745G>A (p.Leu915=)

Gene: AHDC1 (AT-hook DNA binding motif containing 1; minus strand). Cytogenetic location: 1p36.11.
Variant type: single nucleotide variant.
Coding change: c.2745G>A on transcript NM_001371928.1 (MANE Select); coding-DNA position 2745, G replaced by A.
Protein change: p.Leu915=; no amino-acid change (leucine 915 retained).
Molecular consequence: synonymous variant.
Genome position (GRCh38, 1-based): chr1:27,549,371, C>T on the plus strand (G>A on the coding strand, the complement: AHDC1 is on the minus strand). VCF-style: chr1-27549371-C-T. GRCh37 (hg19) VCF-style: chr1-27875882-C-T.
Other names: c.2745G>A (NM_001029882.2); c.2745G>A, p.Leu915= (NM_001029882.3).
Identifiers: ClinVar variation 771111 (VCV000771111.38), dbSNP rs138452825, ClinGen allele CA715707.

ClinVar aggregate classification (germline): Benign/Likely benign. Review status: criteria provided, multiple submitters, no conflicts (2 of 4 stars). 6 submissions from 6 submitters: Benign (3); Likely benign (2). 1 of the submissions does not count toward it. Last evaluated 2026-08-01.

Conditions:
AHDC1-related intellectual disability - obstructive sleep apnea - mild dysmorphism syndrome. Also called: Xia-Gibbs syndrome. Identifiers: Orphanet 412069, MedGen C4014419, MONDO:0014358, OMIM 615829.
AHDC1-related disorder. Also called: AHDC1-related condition.

Allele frequency attached by ClinVar (database versions not stated): 1000 Genomes Project 30x 0.00031; 1000 Genomes Project 0.00040; TOPMed 0.00099; ESP Exome Variant Server 0.00115; gnomAD 0.00119; ExAC 0.00157; gnomAD exomes 0.00158.
gnomAD v4.1: 2,493 of 1,613,074 alleles (0.15%); highest among the groups gnomAD compares: Middle Eastern, 0.56%; 2 homozygotes.

Submissions (6):

CeGaT Center for Human Genetics Tuebingen
Classification: Likely benign. Last evaluated: 2026-08-01. Review status: criteria provided, single submitter. Criteria: CeGaT Center For Human Genetics Tuebingen Variant Classification Criteria Version 2. Collection method: clinical testing. Allele origin: germline. Affected: yes. Observed: 15 variant alleles.
Comment: AHDC1: BP4, BP7

Labcorp Genetics (formerly Invitae), Labcorp
Classification: Benign. Last evaluated: 2026-01-19. Review status: criteria provided, single submitter. Criteria: Invitae Variant Classification Sherloc (09022015). Collection method: clinical testing. Allele origin: germline.

Blueprint Genetics
Classification: Likely benign. Last evaluated: 2024-11-23. Review status: criteria provided, single submitter. Criteria: ACMG Guidelines, 2015. Collection method: clinical testing. Allele origin: germline.

Genome-Nilou Lab
Classification: Benign for AHDC1-related intellectual disability - obstructive sleep apnea - mild dysmorphism syndrome. Last evaluated: 2021-12-05. Review status: criteria provided, single submitter. Criteria: ACMG Guidelines, 2015. Collection method: clinical testing. Allele origin: germline. Affected: no.

GeneDx
Classification: Benign. Last evaluated: 2021-01-19. Review status: criteria provided, single submitter. Criteria: GeneDx Variant Classification Process June 2021. Collection method: clinical testing. Allele origin: germline. Affected: yes.

PreventionGenetics, part of Exact Sciences
Classification: Benign for AHDC1-related condition. Last evaluated: 2019-03-15. Review status: no assertion criteria provided. Collection method: clinical testing. Allele origin: germline. Not counted in ClinVar's aggregate classification.
Comment: This variant is classified as benign based on ACMG/AMP sequence variant interpretation guidelines (Richards et al. 2015 PMID: 25741868, with internal and published modifications).